The following is an entry in ClinVar:

ClinVar aggregate classification (germline): Uncertain significance. Review status: criteria provided, multiple submitters, no conflicts (2 of 4 stars). 2 submissions from 2 submitters: Uncertain significance (2). Last evaluated 2024-11-09.

Conditions:
Inborn genetic diseases. Identifiers: MedGen C0950123, MeSH D030342.

Allele frequency attached by ClinVar (database versions not stated): gnomAD 0.00005; TOPMed 0.00005; ExAC 0.00006; ESP Exome Variant Server 0.00008.
gnomAD v4.1: 189 of 1,561,732 alleles (0.012%); highest among the groups gnomAD compares: Non-Finnish European, 0.016%; no homozygotes.

Submissions (2):

Ambry Genetics
Classification: Uncertain significance for Inborn genetic diseases. Last evaluated: 2024-11-09. Review status: criteria provided, single submitter. Criteria: Ambry Variant Classification Scheme 2023. Collection method: clinical testing. Allele origin: germline.

Labcorp Genetics (formerly Invitae), Labcorp
Classification: Uncertain significance. Last evaluated: 2023-08-04. Review status: criteria provided, single submitter. Criteria: Invitae Variant Classification Sherloc (09022015). Collection method: clinical testing. Allele origin: germline.
Comment: This sequence change replaces threonine, which is neutral and polar, with alanine, which is neutral and non-polar, at codon 211 of the PYROXD1 protein (p.Thr211Ala). In summary, the available evidence is currently insufficient to determine the role of this variant in disease. Therefore, it has been classified as a Variant of Uncertain Significance. Advanced modeling of protein sequence and biophysical properties (such as structural, functional, and spatial information, amino acid conservation, physicochemical variation, residue mobility, and thermodynamic stability) performed at Invitae indicates that this missense variant is not expected to disrupt PYROXD1 protein function. ClinVar contains an entry for this variant (Variation ID: 2178658). This variant has not been reported in the literature in individuals affected with PYROXD1-related conditions. This variant is present in population databases (rs201374524, gnomAD 0.01%).

NM_024854.5(PYROXD1):c.631A>G (p.Thr211Ala)

Gene: PYROXD1 (pyridine nucleotide-disulphide oxidoreductase domain 1; plus strand). Cytogenetic location: 12p12.1.
Variant type: single nucleotide variant.
Coding change: c.631A>G on transcript NM_024854.5 (MANE Select); coding-DNA position 631, A replaced by G.
Protein change: p.Thr211Ala; replaces threonine 211 with alanine.
Molecular consequence: missense variant. On other transcripts: 5 prime UTR variant (1).
Genome position (GRCh38, 1-based): chr12:21,455,274, A>G. VCF-style: chr12-21455274-A-G. GRCh37 (hg19) VCF-style: chr12-21608208-A-G.
Other names: c.418A>G, p.Thr140Ala (NM_001350912.2); c.-147A>G (NM_001350913.2); c.631A>G (NM_024854.3); short protein forms T140A, T211A.
Identifiers: ClinVar variation 2178658 (VCV002178658.3), dbSNP rs201374524, ClinGen allele CA6478269.
Genomic context (GRCh38, chr12:21,455,274, plus strand): 5'-GAATTCTTGACTTCAAAGCTCATTGCTGAAAAATCAGAGGCTAAAATTGCACATAAAAGA[A>G]CCAGATATACAACTGAAGGTAAGTGTAGCACCTAGCTCATTAATTCTCATACAAAACTTT-3'
Protein context (NP_079130.2, residues 201-221): KSEAKIAHKR[Thr211Ala]RYTTEGRKKE